The following is an entry in ClinVar:

NR_199791.1(RNU2-2):n.100T>A

Genes: RNU2-2 (RNA, U2 small nuclear 2; minus strand), WDR74 (WD repeat domain 74; minus strand). Cytogenetic location: 11q12.3.
Variant type: single nucleotide variant.
Molecular consequence: non-coding transcript variant (on NR_199791.1). On other transcripts: 5 prime UTR variant (1).
Genome position: GRCh38 VCF-style: chr11-62841710-A-T. GRCh37 (hg19) VCF-style: chr11-62609182-A-T.
Other names: c.-439T>A (NM_001369451.1).
Identifiers: ClinVar variation 4540498 (VCV004540498.1).
Genomic context (GRCh38, chr11:62,841,710, plus strand): 5'-TACCAGGTCGATGCGTGGAGTGGACGGAGCAAGCTCCTATTCCATCTCCTATTTCCAAAA[A>T]TCCATTTAATATATTGTCCTCGGATAGAGGACGTATCAGATATTAAACTGATAAGAACAG-3'

ClinVar aggregate classification (germline): Uncertain significance (1 of 4 stars; one submission).

Submission:

Institute for Human Genetics, University Hospital Essen
Classification: Uncertain significance. Last evaluated: 2025-11-27. Review status: criteria provided, single submitter. Criteria: Submitter's publication. Collection method: clinical testing. Allele origin: inherited. Inheritance: Autosomal unknown. Affected: yes. Observed: 1 variant allele, 1 compound heterozygote.
Comment: PM1 (criteria rationale detailed in Leitão et al. Nature Genetics 2026)